The following is an entry in ClinVar:

ClinVar aggregate classification (germline): Conflicting classifications of pathogenicity. Review status: criteria provided, conflicting classifications (1 of 4 stars). 4 submissions from 4 submitters: Uncertain significance (3); Likely benign (1). Last evaluated 2026-05-22.

Conditions:
AARS1-related disorder. Also called: AARS1-related condition.
Inborn genetic diseases. Identifiers: MedGen C0950123, MeSH D030342.
Charcot-Marie-Tooth disease type 2. Also called: Charcot-Marie-Tooth type 2. Identifiers: Orphanet 64746, MedGen C0270914, MONDO:0018993.

Allele frequency attached by ClinVar (database versions not stated): ExAC 0.00002; gnomAD 0.00003 and 0.00004; gnomAD exomes 0.00004 and 0.00005; TOPMed 0.00005.
gnomAD v4.1: 82 of 1,613,582 alleles (0.0051%); highest among the groups gnomAD compares: South Asian, 0.0099%; no homozygotes.

Submissions (4):

PreventionGenetics, part of Exact Sciences
Classification: Uncertain significance for AARS1-related condition. Last evaluated: 2026-05-22. Review status: criteria provided, single submitter. Criteria: ACMG Guidelines, 2015. Collection method: clinical testing. Allele origin: germline.
Comment: The AARS1 c.1786-5T>C variant is predicted to interfere with splicing. However, the use of computer prediction programs is not equivalent to functional evidence. To our knowledge, this variant has not been reported in the literature. This variant is reported in 0.0098% of alleles in individuals of South Asian descent in gnomAD. At this time, the clinical significance of this variant is uncertain due to the absence of conclusive functional and genetic evidence.

Labcorp Genetics (formerly Invitae), Labcorp
Classification: Uncertain significance for Charcot-Marie-Tooth disease type 2. Last evaluated: 2026-02-03. Review status: criteria provided, single submitter. Criteria: Invitae Variant Classification Sherloc (09022015). Collection method: clinical testing. Allele origin: germline.
Comment: This sequence change falls in intron 13 of the AARS gene. It does not directly change the encoded amino acid sequence of the AARS protein. This variant is present in population databases (rs77814513, gnomAD 0.01%). This variant has not been reported in the literature in individuals affected with AARS-related conditions. ClinVar contains an entry for this variant (Variation ID: 963661). Algorithms developed to predict the effect of sequence changes on RNA splicing suggest that this variant may disrupt the consensus splice site. In summary, the available evidence is currently insufficient to determine the role of this variant in disease. Therefore, it has been classified as a Variant of Uncertain Significance.

Women's Health and Genetics/Laboratory Corporation of America, LabCorp
Classification: Likely benign. Last evaluated: 2025-12-09. Review status: criteria provided, single submitter. Criteria: LabCorp Variant Classification Summary - May 2015. Collection method: clinical testing. Allele origin: germline.
Comment: Variant summary: AARS1 c.1786-5T>C alters a nucleotide located at a position not widely known to affect splicing. Consensus agreement among computation tools predict no significant impact on normal splicing. However, these predictions have yet to be confirmed by functional studies. The variant allele was found at a frequency of 3.6e-05 in 251346 control chromosomes. The available data on variant occurrences in the general population are insufficient to allow any conclusion about variant significance. To our knowledge, no occurrence of c.1786-5T>C in individuals affected with AARS1-related conditions and no experimental evidence demonstrating its impact on protein function have been reported. ClinVar contains an entry for this variant (Variation ID: 963661). Based on the evidence outlined above, the variant was classified as likely benign.

Ambry Genetics
Classification: Uncertain significance for Inborn genetic diseases. Last evaluated: 2021-11-03. Review status: criteria provided, single submitter. Criteria: Ambry Variant Classification Scheme 2023. Collection method: clinical testing. Allele origin: germline.
Comment: The c.1786-5T>C intronic alteration consists of a T to C substitution 5 nucleotides before coding exon 13 in the AARS gene. Based on insufficient or conflicting evidence, the clinical significance of this alteration remains unclear.

NM_001605.3(AARS1):c.1786-5T>C

Gene: AARS1 (alanyl-tRNA synthetase 1; minus strand). Cytogenetic location: 16q22.1.
Variant type: single nucleotide variant.
Coding change: c.1786-5T>C on transcript NM_001605.3 (MANE Select); 5 bases into the intron before coding-DNA position 1786, T replaced by C.
Molecular consequence: intron variant.
Genome position (GRCh38, 1-based): chr16:70,259,191, A>G on the plus strand (T>C on the coding strand, the complement: AARS1 is on the minus strand). VCF-style: chr16-70259191-A-G. GRCh37 (hg19) VCF-style: chr16-70293094-A-G.
Identifiers: ClinVar variation 963661 (VCV000963661.13), dbSNP rs77814513, ClinGen allele CA8140669.